The following is an entry in ClinVar:

NM_024675.4(PALB2):c.945_954del (p.Pro316fs)

Gene: PALB2 (partner and localizer of BRCA2; minus strand). Cytogenetic location: 16p12.2.
Variant type: Deletion.
Coding change: c.945_954del on transcript NM_024675.4 (MANE Select); coding-DNA positions 945 to 954, 10 bases deleted (GCCCACAAGT; older notation c.945_954delGCCCACAAGT).
Protein change: p.Pro316fs; shifts the reading frame from proline 316.
Molecular consequence: frameshift variant. On other transcripts: intron variant (3).
Genome position (GRCh38, 1-based): chr16:23,635,592-23,635,601, ACTTGTGGGC deleted on the plus strand (GCCCACAAGT on the coding strand, the reverse complement: PALB2 is on the minus strand); deleting any 10 consecutive bases within chr16:23,635,592-23,635,602 gives the same sequence; the c. name uses the placement nearest the transcript's 3' end. VCF-style (leftmost placement, unchanged base first): chr16-23635591-AACTTGTGGGC-A. GRCh37 (hg19) VCF-style: chr16-23646912-AACTTGTGGGC-A.
Other names: c.885_894del, p.Pro296fs (NM_001407296.1); c.945_954del, p.Pro316fs (NM_001407297.1, NM_001407298.1, NM_001407299.1 and 3 more transcripts); c.60_69del, p.Pro21fs (NM_001407304.1, NM_001407305.1, NM_001407306.1 and 5 more transcripts); c.944_953delTGCCCACAAG, p.Pro316Leufs (NM_024675.3); c.48+5509_48+5518del (NM_001407314.1); c.-104-5132_-104-5123del (NM_001407313.1, NM_001407312.1); c.945_954del (NM_024675.3); short protein forms P21fs, P296fs, P316fs.
Identifiers: ClinVar variation 2573278 (VCV002573278.2), dbSNP rs781282667, ClinGen allele CA7963742.

ClinVar aggregate classification (germline): Pathogenic. Review status: criteria provided, multiple submitters, no conflicts (2 of 4 stars). 2 submissions from 2 submitters: Pathogenic (2). Last evaluated 2025-05-06.

Conditions:
Familial cancer of breast. Also called: hereditary breast carcinoma; Hereditary breast cancer; BREAST CANCER, FAMILIAL. Identifiers: Orphanet 227535, MedGen C0346153, MONDO:0016419, OMIM 114480. Disease mechanism: loss of function.

Submissions (2):

GeneDx
Classification: Pathogenic. Last evaluated: 2025-05-06. Review status: criteria provided, single submitter. Criteria: GeneDx Variant Classification Process June 2021. Collection method: clinical testing. Allele origin: germline. Affected: yes.
Comment: Frameshift variant predicted to result in protein truncation or nonsense mediated decay in a gene for which loss of function is a known mechanism of disease; Not observed at significant frequency in large population cohorts (gnomAD); Truncating variants in this gene are considered pathogenic by a well-established clinical consortium and/or database; Has not been previously published as pathogenic or benign to our knowledge

Myriad Genetics, Inc.
Classification: Pathogenic for Familial cancer of breast. Last evaluated: 2023-04-17. Review status: criteria provided, single submitter. Criteria: Myriad Autosomal Dominant, Autosomal Recessive and X-Linked Classification Criteria (2023). Collection method: clinical testing. Allele origin: unknown.
Comment: This variant is considered pathogenic. This variant creates a frameshift predicted to result in premature protein truncation.